The following is an entry in ClinVar:

ClinVar aggregate classification (germline): Likely pathogenic (1 of 4 stars; one submission).

Conditions:
Severe combined immunodeficiency due to LCK deficiency. Also called: Immunodeficiency 22. Identifiers: Orphanet 280142, MedGen C4014233, MONDO:0014334, OMIM 615758.

Submission:

Labcorp Genetics (formerly Invitae), Labcorp
Classification: Likely pathogenic for Severe combined immunodeficiency due to LCK deficiency. Last evaluated: 2025-02-25. Review status: criteria provided, single submitter. Criteria: Invitae Variant Classification Sherloc (09022015). Collection method: clinical testing. Allele origin: germline.
Comment: This sequence change affects a donor splice site in intron 6 of the LCK gene. It is expected to disrupt RNA splicing. Variants that disrupt the donor or acceptor splice site typically lead to a loss of protein function (PMID: 16199547), and loss-of-function variants in LCK are known to be pathogenic (PMID: 22985903, 27087313). This variant is not present in population databases (gnomAD no frequency). This variant has not been reported in the literature in individuals affected with LCK-related conditions. Algorithms developed to predict the effect of sequence changes on RNA splicing suggest that this variant may disrupt the consensus splice site. In summary, the currently available evidence indicates that the variant is pathogenic, but additional data are needed to prove that conclusively. Therefore, this variant has been classified as Likely Pathogenic.

Literature cited by the submitters: PubMed 16199547; PubMed 22985903; PubMed 27087313.

NM_005356.5(LCK):c.481+1G>A

Gene: LCK (LCK proto-oncogene, Src family tyrosine kinase; plus strand). Cytogenetic location: 1p35.2.
Variant type: single nucleotide variant.
Coding change: c.481+1G>A on transcript NM_005356.5 (MANE Select); the canonical splice donor site of the intron after coding-DNA position 481, G replaced by A.
Molecular consequence: splice donor variant.
Genome position (GRCh38, 1-based): chr1:32,275,673, G>A. VCF-style: chr1-32275673-G-A. GRCh37 (hg19) VCF-style: chr1-32741274-G-A.
Other names: c.655+1G>A (NM_001439146.1); c.481+1G>A (NM_001330468.2, NM_001042771.3).
Identifiers: ClinVar variation 4761675 (VCV004761675.1).